The following is an entry in ClinVar:

ClinVar aggregate classification (germline): Uncertain significance. Review status: criteria provided, multiple submitters, no conflicts (2 of 4 stars). 2 submissions from 2 submitters: Uncertain significance (2). Last evaluated 2024-05-01.

Conditions:
Primary ciliary dyskinesia 13. Also called: CILIARY DYSKINESIA, PRIMARY, 13, WITH OR WITHOUT SITUS INVERSUS. Identifiers: Orphanet 244, MedGen C2750790, MONDO:0013174, OMIM 613193.
Primary ciliary dyskinesia. Also called: Ciliary dyskinesia. Identifiers: Orphanet 244, MedGen C0008780, MONDO:0016575, HP:0012265.

Allele frequency attached by ClinVar (database versions not stated): gnomAD exomes 0.00001.
gnomAD v4.1: 16 of 1,614,140 alleles (0.00099%); highest among the groups gnomAD compares: Non-Finnish European, 0.0014%; no homozygotes.

Submissions (2):

Fulgent Genetics
Classification: Uncertain significance for Primary ciliary dyskinesia 13. Last evaluated: 2024-05-01. Review status: criteria provided, single submitter. Criteria: ACMG Guidelines, 2015. Collection method: clinical testing. Allele origin: germline.

Labcorp Genetics (formerly Invitae), Labcorp
Classification: Uncertain significance for Primary ciliary dyskinesia. Last evaluated: 2019-06-04. Review status: criteria provided, single submitter. Criteria: Invitae Variant Classification Sherloc (09022015). Collection method: clinical testing. Allele origin: germline.
Comment: In summary, the available evidence is currently insufficient to determine the role of this variant in disease. Therefore, it has been classified as a Variant of Uncertain Significance. Algorithms developed to predict the effect of missense changes on protein structure and function (SIFT, PolyPhen-2, Align-GVGD) all suggest that this variant is likely to be tolerated, but these predictions have not been confirmed by published functional studies and their clinical significance is uncertain. This variant has not been reported in the literature in individuals with DNAAF1-related conditions. This variant is not present in population databases (ExAC no frequency). This sequence change replaces glutamic acid with glutamine at codon 218 of the DNAAF1 protein (p.Glu218Gln). The glutamic acid residue is moderately conserved and there is a small physicochemical difference between glutamic acid and glutamine.

NM_178452.6(DNAAF1):c.652G>C (p.Glu218Gln)

Gene: DNAAF1 (dynein axonemal assembly factor 1; plus strand). Cytogenetic location: 16q24.1.
Variant type: single nucleotide variant.
Coding change: c.652G>C on transcript NM_178452.6 (MANE Select); coding-DNA position 652, G replaced by C.
Protein change: p.Glu218Gln; replaces glutamic acid 218 with glutamine.
Molecular consequence: missense variant.
Genome position (GRCh38, 1-based): chr16:84,155,660, G>C. VCF-style: chr16-84155660-G-C. GRCh37 (hg19) VCF-style: chr16-84189265-G-C.
Other names: short protein forms E218Q.
Identifiers: ClinVar variation 936547 (VCV000936547.10), dbSNP rs1305691679, ClinGen allele CA396943753.
Genomic context (GRCh38, chr16:84,155,660, plus strand): 5'-AACACATTGCAGATGGCCCACAATCACCTGGAGACCGTGGAGGACATTCAGCATCTACAA[G>C]AGTGTTTGAGGCTTTGTGTCCTTGACCTTTCGCACAACAAGCTGAGTGACCCGGAGATCC-3'
Protein context (NP_848547.4, residues 208-228): ETVEDIQHLQ[Glu218Gln]CLRLCVLDLS